The following is an entry in ClinVar:

NM_002547.3(OPHN1):c.1138+1G>A

Gene: OPHN1 (oligophrenin 1; minus strand). Cytogenetic location: Xq12.
Variant type: single nucleotide variant.
Coding change: c.1138+1G>A on transcript NM_002547.3 (MANE Select); the canonical splice donor site of the intron after coding-DNA position 1138, G replaced by A.
Molecular consequence: splice donor variant.
Genome position (GRCh38, 1-based): chrX:68,194,464, C>T on the plus strand (G>A on the coding strand, the complement: OPHN1 is on the minus strand). VCF-style: chrX-68194464-C-T. GRCh37 (hg19) VCF-style: chrX-67414306-C-T.
Identifiers: ClinVar variation 804020 (VCV000804020.2), dbSNP rs1602226670, ClinGen allele CA413432978.
Genomic context (GRCh38, chrX:68,194,464, plus strand): 5'-ACTATGAATCGGACAGCTGGCAGTTTATAATGCTAGTAGACCAAAAACTTAAGTGACTCA[C>T]TTTCTTGCTGTTTTGTTATAGGGCTGTGGTAGATCTACAAAAGAAGATAAACAGAAAGAT-3'

ClinVar aggregate classification (germline): Pathogenic. Review status: criteria provided, multiple submitters, no conflicts (2 of 4 stars). 2 submissions from 2 submitters: Pathogenic (2). Last evaluated 2026-03-12.

Conditions:
Intellectual developmental disorder, X-linked, syndromic, Billuart type. Also called: X-linked intellectual disability-cerebellar hypoplasia syndrome; MENTAL RETARDATION, X-LINKED 60. Identifiers: Orphanet 137831, MedGen C1845366, MONDO:0010337, OMIM 300486.

Submissions (2):

GeneDx
Classification: Pathogenic. Last evaluated: 2026-03-12. Review status: criteria provided, single submitter. Criteria: GeneDx Variant Classification Process June 2021. Collection method: clinical testing. Allele origin: germline.
Comment: Not observed at significant frequency in large population cohorts (gnomAD); Canonical splice site variant predicted to result in a null allele in a gene for which loss of function is a known mechanism of disease; This variant is associated with the following publications: (PMID: 26350204)

Mendelics
Classification: Pathogenic for Intellectual developmental disorder, X-linked, syndromic, Billuart type. Last evaluated: 2019-05-28. Review status: criteria provided, single submitter. Criteria: Mendelics Assertion Criteria 2017. Collection method: clinical testing. Allele origin: unknown.